The following is an entry in ClinVar:

NM_001100913.3(PACS2):c.181T>G (p.Ser61Ala)

Gene: PACS2 (phosphofurin acidic cluster sorting protein 2; plus strand). Cytogenetic location: 14q32.33.
Variant type: single nucleotide variant.
Coding change: c.181T>G on transcript NM_001100913.3 (MANE Select); coding-DNA position 181, T replaced by G.
Protein change: p.Ser61Ala; replaces serine 61 with alanine.
Molecular consequence: missense variant. On other transcripts: 5 prime UTR variant (1).
Genome position (GRCh38, 1-based): chr14:105,348,554, T>G. VCF-style: chr14-105348554-T-G. GRCh37 (hg19) VCF-style: chr14-105814891-T-G.
Other names: p.Ser61Ala; c.-21T>G (NM_001243127.3); c.181T>G, p.Ser61Ala (NM_015197.4); c.181T>G (NM_001100913.2); short protein forms S61A.
Identifiers: ClinVar variation 1673204 (VCV001673204.35), dbSNP rs117514922, ClinGen allele CA7388270.

ClinVar aggregate classification (germline): Benign/Likely benign. Review status: criteria provided, multiple submitters, no conflicts (2 of 4 stars). 5 submissions from 5 submitters: Benign (1); Likely benign (3). 1 of the submissions does not count toward it. Last evaluated 2026-07-01.

Conditions:
PACS2-related disorder. Also called: PACS2-related condition.

Allele frequency attached by ClinVar (database versions not stated): TOPMed 0.00089; ESP Exome Variant Server 0.00108; 1000 Genomes Project 30x 0.00141; gnomAD 0.00151 and 0.00156; ExAC 0.00153; gnomAD exomes 0.00156 and 0.00186; 1000 Genomes Project 0.00160.

Submissions (5):

CeGaT Center for Human Genetics Tuebingen
Classification: Likely benign. Last evaluated: 2026-07-01. Review status: criteria provided, single submitter. Criteria: CeGaT Center For Human Genetics Tuebingen Variant Classification Criteria Version 2. Collection method: clinical testing. Allele origin: germline. Affected: yes. Observed: 8 variant alleles.
Comment: PACS2: BS1

Labcorp Genetics (formerly Invitae), Labcorp
Classification: Benign. Last evaluated: 2026-02-03. Review status: criteria provided, single submitter. Criteria: Invitae Variant Classification Sherloc (09022015). Collection method: clinical testing. Allele origin: germline.

Mayo Clinic Laboratories, Mayo Clinic
Classification: Likely benign. Last evaluated: 2025-03-07. Review status: criteria provided, single submitter. Criteria: ACMG Guidelines, 2015. Collection method: clinical testing. Allele origin: germline. Observed: 1 variant allele.
Comment: BS2, BP4_moderate

Blueprint Genetics
Classification: Likely benign. Last evaluated: 2024-11-25. Review status: criteria provided, single submitter. Criteria: ACMG Guidelines, 2015. Collection method: clinical testing. Allele origin: germline.

PreventionGenetics, part of Exact Sciences
Classification: Likely benign for PACS2-related condition. Last evaluated: 2019-05-08. Review status: no assertion criteria provided. Collection method: clinical testing. Allele origin: germline. Not counted in ClinVar's aggregate classification.
Comment: This variant is classified as likely benign based on ACMG/AMP sequence variant interpretation guidelines (Richards et al. 2015 PMID: 25741868, with internal and published modifications).